The following is an entry in ClinVar:

NM_001110556.2(FLNA):c.1411A>G (p.Thr471Ala)

Gene: FLNA (filamin A; minus strand). Cytogenetic location: Xq28.
Variant type: single nucleotide variant.
Coding change: c.1411A>G on transcript NM_001110556.2 (MANE Select); coding-DNA position 1411, A replaced by G.
Protein change: p.Thr471Ala; replaces threonine 471 with alanine.
Molecular consequence: missense variant.
Genome position (GRCh38, 1-based): chrX:154,366,042, T>C on the plus strand (A>G on the coding strand, the complement: FLNA is on the minus strand). VCF-style: chrX-154366042-T-C. GRCh37 (hg19) VCF-style: chrX-153594410-T-C.
Other names: c.1411A>G, p.Thr471Ala (NM_001456.4); short protein forms T471A.
Identifiers: ClinVar variation 2160099 (VCV002160099.5), dbSNP rs782588986, ClinGen allele CA10561188.
Genomic context (GRCh38, chrX:154,366,042, plus strand): 5'-GACTGCAGTGCCACAGCAGAGGGCAGTCAGGGCCGGGCCTACCTTGGCCAACAGTGACAG[T>C]GTAGGGGCTGCGAGGGATGGGCACGCCGGCAAACGTGACGTGCACGGTGTGGACGCCCTC-3'
Protein context (NP_001104026.1, residues 461-481): AGVPIPRSPY[Thr471Ala]VTVGQACNPS

ClinVar aggregate classification (germline): Conflicting classifications of pathogenicity. Review status: criteria provided, conflicting classifications (1 of 4 stars). 2 submissions from 2 submitters: Uncertain significance (1); Likely benign (1). Last evaluated 2025-11-22.

Conditions:
Oto-palato-digital syndrome, type II (OPD2). Also called: Otopalatodigital Syndrome Type 2 (FLNA-OPD2); Otopalatodigital Syndrome, Type II; FACIOPALATOOSSEOUS SYNDROME; OPD II SYNDROME. Identifiers: Orphanet 669, Orphanet 90652, MedGen C1844696, MONDO:0010571, OMIM 304120.
Frontometaphyseal dysplasia (FMD1). Identifiers: Orphanet 1826, MedGen C0265293, MONDO:0015942.
Melnick-Needles syndrome (MNS). Also called: Melnick-Needles Syndrome (FLNA-MNS); MELNICK-NEEDLES OSTEODYSPLASTY; OSTEODYSPLASTY OF MELNICK AND NEEDLES. Identifiers: Orphanet 2484, MedGen C0025237, MONDO:0010650, OMIM 309350.
Heterotopia, periventricular, X-linked dominant (PVNH1). Also called: PERIVENTRICULAR NODULAR HETEROTOPIA 4; HETEROTOPIA, PERIVENTRICULAR, 1; X-linked periventricular heterotopia; PERIVENTRICULAR NODULAR HETEROTOPIA 1. Identifiers: Orphanet 2149, Orphanet 82004, MedGen C1848213, MONDO:0010233, OMIM 300049.

Allele frequency attached by ClinVar (database versions not stated): ExAC 0.00001; gnomAD 0.00001; gnomAD exomes 0.00001; TOPMed 0.00002.
gnomAD v4.1: 11 of 1,205,096 alleles (0.00091%); highest among the groups gnomAD compares: Non-Finnish European, 0.0012%; no homozygotes.

Submissions (2):

Labcorp Genetics (formerly Invitae), Labcorp
Classification: Likely benign for Oto-palato-digital syndrome, type II; Heterotopia, periventricular, X-linked dominant; Frontometaphyseal dysplasia; Melnick-Needles syndrome. Last evaluated: 2025-11-22. Review status: criteria provided, single submitter. Criteria: Invitae Variant Classification Sherloc (09022015). Collection method: clinical testing. Allele origin: germline.

Women's Health and Genetics/Laboratory Corporation of America, LabCorp
Classification: Uncertain significance. Last evaluated: 2025-06-19. Review status: criteria provided, single submitter. Criteria: LabCorp Variant Classification Summary - May 2015. Collection method: clinical testing. Allele origin: germline.
Comment: Variant summary: FLNA c.1411A>G (p.Thr471Ala) results in a non-conservative amino acid change in the encoded protein sequence. Algorithms developed to predict the effect of missense changes on protein structure and function are either unavailable or do not agree on the potential impact of this missense change. The variant allele was found at a frequency of 5.7e-06 in 176144 control chromosomes. The available data on variant occurrences in the general population are insufficient to allow any conclusion about variant significance. To our knowledge, no occurrence of c.1411A>G in individuals affected with Periventricular Nodular Heterotopia 1 and no experimental evidence demonstrating its impact on protein function have been reported. ClinVar contains an entry for this variant (Variation ID: 2160099). Based on the evidence outlined above, the variant was classified as uncertain significance.